The following is an entry in ClinVar:

NM_020771.4(HACE1):c.2513+5G>A

Gene: HACE1 (HECT domain and ankyrin repeat containing E3 ubiquitin protein ligase 1; minus strand). Cytogenetic location: 6q16.3.
Variant type: single nucleotide variant.
Coding change: c.2513+5G>A on transcript NM_020771.4 (MANE Select); 5 bases into the intron after coding-DNA position 2513, G replaced by A.
Molecular consequence: intron variant.
Genome position (GRCh38, 1-based): chr6:104,744,155, C>T on the plus strand (G>A on the coding strand, the complement: HACE1 is on the minus strand). VCF-style: chr6-104744155-C-T. GRCh37 (hg19) VCF-style: chr6-105192030-C-T.
Other names: c.2222+5G>A (NM_001350555.2); c.1730+5G>A (NM_001350560.2); c.2009+5G>A (NM_001350557.2, NM_001350558.2, NM_001321084.2); c.2027+5G>A (NM_001350556.2); c.1931+5G>A (NM_001350559.2); c.2381+5G>A (NM_001321080.2); c.2279+5G>A (NM_001350554.2); c.2411+5G>A (NM_001321083.2).
Identifiers: ClinVar variation 2416091 (VCV002416091.4), dbSNP rs373556285, ClinGen allele CA3939979.

ClinVar aggregate classification (germline): Uncertain significance (1 of 4 stars; one submission).

Allele frequency attached by ClinVar (database versions not stated): ExAC 0.00007; TOPMed 0.00007; ESP Exome Variant Server 0.00008; gnomAD 0.00009; gnomAD exomes 0.00016.
gnomAD v4.1: 237 of 1,532,074 alleles (0.015%); highest among the groups gnomAD compares: Non-Finnish European, 0.02%; no homozygotes.

Submission:

Labcorp Genetics (formerly Invitae), Labcorp
Classification: Uncertain significance. Last evaluated: 2022-07-09. Review status: criteria provided, single submitter. Criteria: Invitae Variant Classification Sherloc (09022015). Collection method: clinical testing. Allele origin: germline.
Comment: In summary, the available evidence is currently insufficient to determine the role of this variant in disease. Therefore, it has been classified as a Variant of Uncertain Significance. Variants that disrupt the consensus splice site are a relatively common cause of aberrant splicing (PMID: 17576681, 9536098). Algorithms developed to predict the effect of sequence changes on RNA splicing suggest that this variant may disrupt the consensus splice site. This variant has not been reported in the literature in individuals affected with HACE1-related conditions. This variant is present in population databases (rs373556285, gnomAD 0.01%). This sequence change falls in intron 22 of the HACE1 gene. It does not directly change the encoded amino acid sequence of the HACE1 protein. It affects a nucleotide within the consensus splice site.

Literature cited by the submitters: PubMed 17576681; PubMed 9536098.